The following is an entry in ClinVar:

ClinVar aggregate classification (germline): Likely benign. Review status: criteria provided, single submitter (1 of 4 stars). 2 submissions from 2 submitters: Likely benign (1). 1 of the submissions does not count toward it. Last evaluated 2023-09-08.

Conditions:
BBS2-related disorder. Also called: BBS2-related disorders; BBS2-related condition. Identifiers: MedGen CN239228.
Bardet-Biedl syndrome (BBS). Identifiers: Orphanet 110, MedGen C0752166, MONDO:0015229.

Allele frequency attached by ClinVar (database versions not stated): gnomAD exomes below 0.00001 and 0.00002; TOPMed below 0.00001; ExAC 0.00001; gnomAD 0.00001.
gnomAD v4.1: 25 of 1,613,956 alleles (0.0015%); highest among the groups gnomAD compares: Non-Finnish European, 0.002%; no homozygotes.

Submissions (2):

Labcorp Genetics (formerly Invitae), Labcorp
Classification: Likely benign for Bardet-Biedl syndrome. Last evaluated: 2023-09-08. Review status: criteria provided, single submitter. Criteria: Invitae Variant Classification Sherloc (09022015). Collection method: clinical testing. Allele origin: germline.

PreventionGenetics, part of Exact Sciences
Classification: Likely benign for BBS2-related condition. Last evaluated: 2021-07-13. Review status: no assertion criteria provided. Collection method: clinical testing. Allele origin: germline. Not counted in ClinVar's aggregate classification.
Comment: This variant is classified as likely benign based on ACMG/AMP sequence variant interpretation guidelines (Richards et al. 2015 PMID: 25741868, with internal and published modifications).

NM_031885.5(BBS2):c.1989C>T (p.Asn663=)

Gene: BBS2 (Bardet-Biedl syndrome 2; minus strand). Cytogenetic location: 16q13.
Variant type: single nucleotide variant.
Coding change: c.1989C>T on transcript NM_031885.5 (MANE Select); coding-DNA position 1989, C replaced by T.
Protein change: p.Asn663=; no amino-acid change (asparagine 663 retained).
Molecular consequence: synonymous variant. On other transcripts: non-coding transcript variant (5).
Genome position (GRCh38, 1-based): chr16:56,485,660, G>A on the plus strand (C>T on the coding strand, the complement: BBS2 is on the minus strand). VCF-style: chr16-56485660-G-A. GRCh37 (hg19) VCF-style: chr16-56519572-G-A.
Other names: c.1989C>T, p.Asn663= (NM_001377456.1); c.1989C>T (NM_031885.3).
Identifiers: ClinVar variation 1145016 (VCV001145016.10), dbSNP rs373278876, ClinGen allele CA8065561.